The following is an entry in ClinVar:

NM_001144758.3(PHLDB1):c.1761C>T (p.Asp587=)

Gene: PHLDB1 (pleckstrin homology like domain family B member 1; plus strand). Cytogenetic location: 11q23.3.
Variant type: single nucleotide variant.
Coding change: c.1761C>T on transcript NM_001144758.3 (MANE Select); coding-DNA position 1761, C replaced by T.
Protein change: p.Asp587=; no amino-acid change (aspartic acid 587 retained).
Molecular consequence: synonymous variant.
Genome position (GRCh38, 1-based): chr11:118,628,584, C>T. VCF-style: chr11-118628584-C-T. GRCh37 (hg19) VCF-style: chr11-118499300-C-T.
Other names: c.1761C>T, p.Asp587= (NM_001144759.3, NM_015157.4).
Identifiers: ClinVar variation 2642440 (VCV002642440.24), dbSNP rs150200350, ClinGen allele CA6306784.

ClinVar aggregate classification (germline): Likely benign (1 of 4 stars; one submission).

Allele frequency attached by ClinVar (database versions not stated): 1000 Genomes Project 0.00020; gnomAD 0.00025; ExAC 0.00027; 1000 Genomes Project 30x 0.00031; ESP Exome Variant Server 0.00031; TOPMed 0.00032; gnomAD exomes 0.00037.
gnomAD v4.1: 572 of 1,612,826 alleles (0.035%); highest among the groups gnomAD compares: Non-Finnish European, 0.044%; no homozygotes.

Submission:

CeGaT Center for Human Genetics Tuebingen
Classification: Likely benign. Last evaluated: 2023-03-01. Review status: criteria provided, single submitter. Criteria: CeGaT Center For Human Genetics Tuebingen Variant Classification Criteria Version 2. Collection method: clinical testing. Allele origin: germline. Affected: yes. Observed: 1 variant allele.
Comment: PHLDB1: BP4, BP7